The following is an entry in ClinVar:

NM_000138.5(FBN1):c.4226_4227del (p.Cys1408_Ser1409insTer)

Genes: FBN1 (fibrillin 1; minus strand), LOC126862124 (CDK7 strongly-dependent group 2 enhancer GRCh37_chr15:48764566-48765765; plus strand). Cytogenetic location: 15q21.1.
Variant type: Microsatellite.
Coding change: c.4226_4227del on transcript NM_000138.5 (MANE Select); coding-DNA positions 4226 to 4227, 2 bases deleted (CT; older notation c.4226_4227delCT).
Protein change: p.Cys1408_Ser1409insTer.
Molecular consequence: nonsense.
Genome position (GRCh38, 1-based): chr15:48,472,660-48,472,661, AG deleted on the plus strand (CT on the coding strand, the reverse complement: FBN1 is on the minus strand); deleting any 2 consecutive bases within chr15:48,472,660-48,472,663 gives the same sequence; the c. name uses the placement nearest the transcript's 3' end. VCF-style (leftmost placement, unchanged base first): chr15-48472659-CAG-C. GRCh37 (hg19) VCF-style: chr15-48764856-CAG-C.
Other names: c.4226_4227delCT (NM_000138.4).
Identifiers: ClinVar variation 578961 (VCV000578961.14), dbSNP rs1566905976, ClinGen allele CA891844497.

ClinVar aggregate classification (germline): Pathogenic/Likely pathogenic. Review status: criteria provided, multiple submitters, no conflicts (2 of 4 stars). 4 submissions from 4 submitters: Pathogenic (3); Likely pathogenic (1). Last evaluated 2020-08-17.

Conditions:
Familial thoracic aortic aneurysm and aortic dissection (TAAD). Also called: Thoracic aortic aneurysms and dissections. Identifiers: Orphanet 91387, MedGen C4707243, MONDO:0019625.
Marfan Syndrome/Loeys-Dietz Syndrome/Familial Thoracic Aortic Aneurysms and Dissections. Identifiers: MedGen CN229799.
Marfan syndrome (MFS). Also called: FBN1-Related Marfan Syndrome; Marfan syndrome type 1; Marfan's syndrome; Marfan syndrome, classic; MARFAN SYNDROME, TYPE I. Identifiers: Orphanet 284963, Orphanet 558, MedGen C0024796, MONDO:0007947, OMIM 154700.

Submissions (4):

Ambry Genetics
Classification: Pathogenic for Familial thoracic aortic aneurysm and aortic dissection. Last evaluated: 2020-08-17. Review status: criteria provided, single submitter. Criteria: Ambry Variant Classification Scheme 2023. Collection method: clinical testing. Allele origin: germline.
Comment: The c.4226_4227delCT pathogenic mutation, located in coding exon 34 of the FBN1 gene, results from a deletion of two nucleotides at nucleotide positions 4226 to 4227, causing a translational frameshift with a predicted alternate stop codon (p.S1409*). This alteration is expected to result in loss of function by premature protein truncation or nonsense-mediated mRNA decay. As such, this alteration is interpreted as a disease-causing mutation.

Mayo Clinic Laboratories, Mayo Clinic
Classification: Pathogenic. Last evaluated: 2019-09-23. Review status: criteria provided, single submitter. Criteria: ACMG Guidelines, 2015. Collection method: clinical testing. Allele origin: germline. Observed: 1 variant allele.
Comment: PVS1, PM2, PP4

Women's Health and Genetics/Laboratory Corporation of America, LabCorp
Classification: Likely pathogenic for Marfan Syndrome/Loeys-Dietz Syndrome/Familial Thoracic Aortic Aneurysms and Dissections. Last evaluated: 2019-09-16. Review status: criteria provided, single submitter. Criteria: LabCorp Variant Classification Summary - May 2015. Collection method: clinical testing. Allele origin: germline.
Comment: Variant summary: FBN1 c.4226_4227delCT (p.Ser1409X) results in a premature termination codon, predicted to cause a truncation of the encoded protein or absence of the protein due to nonsense mediated decay, which are commonly known mechanisms for disease. Truncations downstream of this position have been classified as pathogenic by our laboratory (eg. c.4621C>T, p.Arg1541X; c.4930C>T, p.Arg1644X). The variant was absent in 251442 control chromosomes (gnomAD). To our knowledge, no occurrence of c.4226_4227delCT in individuals affected with Marfan Syndrome and no experimental evidence demonstrating its impact on protein function have been reported. A ClinVar submission (evaluation after 2014) cites the variant as pathogenic. Based on the evidence outlined above, the variant was classified as likely pathogenic.

Labcorp Genetics (formerly Invitae), Labcorp
Classification: Pathogenic for Marfan syndrome; Familial thoracic aortic aneurysm and aortic dissection. Last evaluated: 2018-04-17. Review status: criteria provided, single submitter. Criteria: Invitae Variant Classification Sherloc (09022015). Collection method: clinical testing. Allele origin: germline.
Comment: This sequence change creates a premature translational stop signal (p.Ser1409*) in the FBN1 gene. It is expected to result in an absent or disrupted protein product. This variant is not present in population databases (ExAC no frequency). For these reasons, this variant has been classified as Pathogenic. Loss-of-function variants in FBN1 are known to be pathogenic (PMID: 17657824, 19293843). This variant has not been reported in the literature in individuals with FBN1-related disease.

Literature cited by the submitters: PubMed 17657824 (cited by Labcorp Genetics (formerly Invitae), Labcorp); PubMed 19293843 (cited by Labcorp Genetics (formerly Invitae), Labcorp).